The following is an entry in ClinVar:

NM_015450.3(POT1):c.841A>G (p.Ser281Gly)

Gene: POT1 (protection of telomeres 1; minus strand). Cytogenetic location: 7q31.33.
Variant type: single nucleotide variant.
Coding change: c.841A>G on transcript NM_015450.3 (MANE Select); coding-DNA position 841, A replaced by G.
Protein change: p.Ser281Gly; replaces serine 281 with glycine.
Molecular consequence: missense variant. On other transcripts: non-coding transcript variant (3).
Genome position (GRCh38, 1-based): chr7:124,853,000, T>C on the plus strand (A>G on the coding strand, the complement: POT1 is on the minus strand). VCF-style: chr7-124853000-T-C. GRCh37 (hg19) VCF-style: chr7-124493054-T-C.
Other names: c.448A>G, p.Ser150Gly (NM_001042594.2); short protein forms S281G, S150G.
Identifiers: ClinVar variation 486151 (VCV000486151.14), dbSNP rs780098976, ClinGen allele CA4465347.
Genomic context (GRCh38, chr7:124,853,000, plus strand): 5'-TTATTTACATTTTCTAAATACTAAAAGCTTACTTTTTCAGTTGATCCACATCAGAGTTAC[T>C]TTCTGGCAAGACCCTGATTCCCCGACCGTAACTGGTACCTCCATGAAGATGAAACTCTAA-3'
Protein context (NP_056265.2, residues 271-291): YGRGIRVLPE[Ser281Gly]NSDVDQLKKD

ClinVar aggregate classification (germline): Uncertain significance. Review status: criteria provided, multiple submitters, no conflicts (2 of 4 stars). 3 submissions from 3 submitters: Uncertain significance (3). Last evaluated 2024-08-14.

Conditions:
Tumor predisposition syndrome 3 (TPDS3). Also called: Glioma susceptibility 9; LONG TELOMERE SYNDROME, POT1-RELATED; POT1 Tumor Predisposition; Melanoma, cutaneous malignant, susceptibility to, 10. Identifiers: Orphanet 618, MedGen C4014476, MONDO:0014368, OMIM 615848.
Hereditary cancer-predisposing syndrome. Also called: Hereditary neoplastic syndrome; Hereditary Cancer Syndrome; Neoplastic Syndromes, Hereditary; Tumor predisposition. Identifiers: Orphanet 140162, MedGen C0027672, MeSH D009386, MONDO:0015356.

Allele frequency attached by ClinVar (database versions not stated): gnomAD exomes 0.00001; ExAC 0.00002.
gnomAD v4.1: 4 of 1,613,414 alleles (0.00025%); highest among the groups gnomAD compares: Admixed American, 0.0033%; no homozygotes.

Submissions (3):

GeneDx
Classification: Uncertain significance. Last evaluated: 2024-08-14. Review status: criteria provided, single submitter. Criteria: GeneDx Variant Classification Process June 2021. Collection method: clinical testing. Allele origin: germline. Affected: yes.
Comment: Not observed at significant frequency in large population cohorts (gnomAD); In silico analysis indicates that this missense variant does not alter protein structure/function; In silico analysis suggests this variant may impact gene splicing. In the absence of RNA/functional studies, the actual effect of this sequence change is unknown.; Has not been previously published as pathogenic or benign to our knowledge

Labcorp Genetics (formerly Invitae), Labcorp
Classification: Uncertain significance for Tumor predisposition syndrome 3. Last evaluated: 2024-07-15. Review status: criteria provided, single submitter. Criteria: Invitae Variant Classification Sherloc (09022015). Collection method: clinical testing. Allele origin: germline.
Comment: This sequence change replaces serine, which is neutral and polar, with glycine, which is neutral and non-polar, at codon 281 of the POT1 protein (p.Ser281Gly). This variant is present in population databases (rs780098976, gnomAD 0.006%). This variant has not been reported in the literature in individuals affected with POT1-related conditions. ClinVar contains an entry for this variant (Variation ID: 486151). Advanced modeling of protein sequence and biophysical properties (such as structural, functional, and spatial information, amino acid conservation, physicochemical variation, residue mobility, and thermodynamic stability) performed at Invitae indicates that this missense variant is not expected to disrupt POT1 protein function with a negative predictive value of 80%. RNA analysis performed to evaluate the impact of this missense change on mRNA splicing indicates it does not significantly alter splicing (Invitae). In summary, the available evidence is currently insufficient to determine the role of this variant in disease. Therefore, it has been classified as a Variant of Uncertain Significance.

Ambry Genetics
Classification: Uncertain significance for Hereditary cancer-predisposing syndrome. Last evaluated: 2017-06-20. Review status: criteria provided, single submitter. Criteria: Ambry Variant Classification Scheme 2023. Collection method: clinical testing. Allele origin: germline.
Comment: The p.S281G variant (also known as c.841A>G), located in coding exon 6 of the POT1 gene, results from an A to G substitution at nucleotide position 841. The serine at codon 281 is replaced by glycine, an amino acid with similar properties. This amino acid position is poorly conserved in available vertebrate species. In addition, this alteration is predicted to be tolerated by in silico analysis. Since supporting evidence is limited at this time, the clinical significance of this alteration remains unclear.